The following is an entry in ClinVar:

NM_014244.5(ADAMTS2):c.745C>T (p.His249Tyr)

Gene: ADAMTS2 (ADAM metallopeptidase with thrombospondin type 1 motif 2; minus strand). Cytogenetic location: 5q35.3.
Variant type: single nucleotide variant.
Coding change: c.745C>T on transcript NM_014244.5 (MANE Select); coding-DNA position 745, C replaced by T.
Protein change: p.His249Tyr; replaces histidine 249 with tyrosine.
Molecular consequence: missense variant.
Genome position (GRCh38, 1-based): chr5:179,207,659, G>A on the plus strand (C>T on the coding strand, the complement: ADAMTS2 is on the minus strand). VCF-style: chr5-179207659-G-A. GRCh37 (hg19) VCF-style: chr5-178634660-G-A.
Other names: c.745C>T, p.His249Tyr (NM_021599.4); short protein forms H249Y.
Identifiers: ClinVar variation 1511255 (VCV001511255.5), dbSNP rs1764735032, ClinGen allele CA362428489.
Genomic context (GRCh38, chr5:179,207,659, plus strand): 5'-CGATGTTGTAGTCATCGTCCGCAGCATGCCTGCGTGCCCTCCGCCTCGAGCTGTTGGCGT[G>A]CTCCTCTAGGACGCCCAGGGCGCGGCTGAGGCTGTCCAGGCTGTCCAGGGAGGCCCCTGC-3'
Protein context (NP_055059.2, residues 239-259): LSRALGVLEE[His249Tyr]ANSSRRRARR

ClinVar aggregate classification (germline): Uncertain significance (1 of 4 stars; one submission).

Conditions:
Ehlers-Danlos syndrome, dermatosparaxis type. Also called: Dermatosparaxis; Ehlers-Danlos syndrome, type VII, autosomal recessive; EDS VIIC. Identifiers: Orphanet 1901, MedGen C2700425, MONDO:0009161, OMIM 225410.

Allele frequency attached by ClinVar (database versions not stated): gnomAD 0.00001.
gnomAD v4.1: 2 of 1,613,494 alleles (0.00012%); highest among the groups gnomAD compares: Admixed American, 0.0017%; no homozygotes.

Submission:

Labcorp Genetics (formerly Invitae), Labcorp
Classification: Uncertain significance for Ehlers-Danlos syndrome, dermatosparaxis type. Last evaluated: 2022-07-05. Review status: criteria provided, single submitter. Criteria: Invitae Variant Classification Sherloc (09022015). Collection method: clinical testing. Allele origin: germline.
Comment: This sequence change replaces histidine, which is basic and polar, with tyrosine, which is neutral and polar, at codon 249 of the ADAMTS2 protein (p.His249Tyr). This variant is not present in population databases (gnomAD no frequency). This variant has not been reported in the literature in individuals affected with ADAMTS2-related conditions. ClinVar contains an entry for this variant (Variation ID: 1511255). Algorithms developed to predict the effect of missense changes on protein structure and function (SIFT, PolyPhen-2, Align-GVGD) all suggest that this variant is likely to be tolerated. Algorithms developed to predict the effect of sequence changes on RNA splicing suggest that this variant may create or strengthen a splice site. In summary, the available evidence is currently insufficient to determine the role of this variant in disease. Therefore, it has been classified as a Variant of Uncertain Significance.